The following is an entry in ClinVar:

NM_006642.5(SDCCAG8):c.1177del (p.Met392_Met393insTer)

Gene: SDCCAG8 (SHH signaling and ciliogenesis regulator SDCCAG8; plus strand). Cytogenetic location: 1q43.
Variant type: Deletion.
Coding change: c.1177del on transcript NM_006642.5 (MANE Select); coding-DNA position 1177, one base deleted (A; older notation c.1177delA).
Protein change: p.Met392_Met393insTer.
Molecular consequence: nonsense.
Genome position (GRCh38, 1-based): chr1:243,330,648, A deleted. VCF-style (leftmost placement, unchanged base first): chr1-243330647-GA-G. GRCh37 (hg19) VCF-style: chr1-243493949-GA-G.
Other names: c.274del, p.Met91_Met92insTer (NM_001350246.2, NM_001350247.2, NM_001350251.2); c.1273del, p.Met424_Met425insTer (NM_001350248.2); c.883del, p.Met294_Met295insTer (NM_001350249.2).
Identifiers: ClinVar variation 2939244 (VCV002939244.3), dbSNP rs2074519196, ClinGen allele CA1230353173.

ClinVar aggregate classification (germline): Pathogenic (1 of 4 stars; one submission).

Conditions:
Senior-Loken syndrome 7 (SLSN7). Identifiers: Orphanet 3156, MedGen C3150877, MONDO:0013326, OMIM 613615.
Bardet-Biedl syndrome 16 (BBS16). Identifiers: Orphanet 110, MedGen C3889474, MONDO:0014444, OMIM 615993.

Allele frequency attached by ClinVar (database versions not stated): gnomAD exomes below 0.00001; TOPMed below 0.00001.

Submission:

Labcorp Genetics (formerly Invitae), Labcorp
Classification: Pathogenic for Bardet-Biedl syndrome 16; Senior-Loken syndrome 7. Last evaluated: 2022-12-14. Review status: criteria provided, single submitter. Criteria: Invitae Variant Classification Sherloc (09022015). Collection method: clinical testing. Allele origin: germline.
Comment: For these reasons, this variant has been classified as Pathogenic. This variant has not been reported in the literature in individuals affected with SDCCAG8-related conditions. This variant is not present in population databases (gnomAD no frequency). This sequence change creates a premature translational stop signal (p.Met393*) in the SDCCAG8 gene. It is expected to result in an absent or disrupted protein product. Loss-of-function variants in SDCCAG8 are known to be pathogenic (PMID: 20835237, 22190896).

Literature cited by the submitters: PubMed 20835237; PubMed 22190896.